The following is an entry in ClinVar:

ClinVar aggregate classification (germline): Uncertain significance. Review status: criteria provided, multiple submitters, no conflicts (2 of 4 stars). 2 submissions from 2 submitters: Uncertain significance (2). Last evaluated 2025-05-01.

gnomAD v4.1: 5 of 1,614,160 alleles (0.00031%); highest among the groups gnomAD compares: Non-Finnish European, 0.00042%; no homozygotes.

Submissions (2):

CeGaT Center for Human Genetics Tuebingen
Classification: Uncertain significance. Last evaluated: 2025-05-01. Review status: criteria provided, single submitter. Criteria: CeGaT Center For Human Genetics Tuebingen Variant Classification Criteria Version 2. Collection method: clinical testing. Allele origin: germline. Affected: yes. Observed: 1 variant allele.
Comment: SETX: PM2, BP4

Athena Diagnostics
Classification: Uncertain significance. Last evaluated: 2020-10-13. Review status: criteria provided, single submitter. Criteria: Athena Diagnostics criteria. Collection method: clinical testing. Allele origin: unknown.

NM_015046.7(SETX):c.4679A>G (p.Asn1560Ser)

Gene: SETX (senataxin; minus strand). Cytogenetic location: 9q34.13.
Variant type: single nucleotide variant.
Coding change: c.4679A>G on transcript NM_015046.7 (MANE Select); coding-DNA position 4679, A replaced by G.
Protein change: p.Asn1560Ser; replaces asparagine 1560 with serine.
Molecular consequence: missense variant.
Genome position (GRCh38, 1-based): chr9:132,326,919, T>C on the plus strand (A>G on the coding strand, the complement: SETX is on the minus strand). VCF-style: chr9-132326919-T-C. GRCh37 (hg19) VCF-style: chr9-135202306-T-C.
Other names: c.4679A>G, p.Asn1560Ser (NM_001351527.2, NM_001351528.2); short protein forms N1560S.
Identifiers: ClinVar variation 1256253 (VCV001256253.11), dbSNP rs2131430572, ClinGen allele CA375325111.